The following is an entry in ClinVar:

ClinVar aggregate classification (germline): Pathogenic. Review status: criteria provided, single submitter (1 of 4 stars). 2 submissions from 2 submitters: Pathogenic (1). 1 of the submissions does not count toward it. Last evaluated 2024-11-28.

Conditions:
Early-infantile DEE. Also called: Early infantile epileptic encephalopathy; Early infantile epileptic encephalopathy with suppression bursts; Ohtahara syndrome. Identifiers: Orphanet 1934, MedGen C0393706, MONDO:0800491.
Severe myoclonic epilepsy in infancy (DRVT). Also called: SEVERE MYOCLONIC EPILEPSY OF INFANCY; DEVELOPMENTAL AND EPILEPTIC ENCEPHALOPATHY 6A; Severe Myoclonic Epilepsy in Infancy (SMEI); Dravet syndrome; Epileptic encephalopathy, early infantile, 6 (Dravet syndrome). Identifiers: Orphanet 33069, MedGen C0751122, MONDO:0100135, OMIM 607208.

Submissions (2):

Labcorp Genetics (formerly Invitae), Labcorp
Classification: Pathogenic for Early-infantile DEE. Last evaluated: 2024-11-28. Review status: criteria provided, single submitter. Criteria: Invitae Variant Classification Sherloc (09022015). Collection method: clinical testing. Allele origin: germline.
Comment: This sequence change replaces threonine, which is neutral and polar, with arginine, which is basic and polar, at codon 812 of the SCN1A protein (p.Thr812Arg). This variant is not present in population databases (gnomAD no frequency). This missense change has been observed in individual(s) with severe myoclonic epilepsy of infancy (PMID: 17054684). In at least one individual the variant was observed to be de novo. This variant is also known as p.T808R. ClinVar contains an entry for this variant (Variation ID: 68518). Invitae Evidence Modeling of protein sequence and biophysical properties (such as structural, functional, and spatial information, amino acid conservation, physicochemical variation, residue mobility, and thermodynamic stability) indicates that this missense variant is expected to disrupt SCN1A protein function with a positive predictive value of 95%. For these reasons, this variant has been classified as Pathogenic.

UniProtKB/Swiss-Prot
No classification provided. Condition: Severe myoclonic epilepsy in infancy. Review status: no classification provided. Collection method: not provided. Allele origin: unknown. Not counted in ClinVar's aggregate classification.
Comment: The variant at protein level is wrongly reported as T808R in PubMed 17054684

Literature cited by the submitters: PubMed 17054684 (cited by Labcorp Genetics (formerly Invitae), Labcorp).

NM_001165963.4(SCN1A):c.2435C>G (p.Thr812Arg)

Gene: SCN1A (sodium voltage-gated channel alpha subunit 1; minus strand). Cytogenetic location: 2q24.3.
Variant type: single nucleotide variant.
Coding change: c.2435C>G on transcript NM_001165963.4 (MANE Select); coding-DNA position 2435, C replaced by G.
Protein change: p.Thr812Arg; replaces threonine 812 with arginine.
Molecular consequence: missense variant. On other transcripts: 5 prime UTR variant (1), non-coding transcript variant (1).
Genome position (GRCh38, 1-based): chr2:166,039,577, G>C on the plus strand (C>G on the coding strand, the complement: SCN1A is on the minus strand). VCF-style: chr2-166039577-G-C. GRCh37 (hg19) VCF-style: chr2-166896087-G-C.
Other names: c.2351C>G, p.Thr784Arg (NM_001165964.3, NM_001353957.2, NM_001353958.2); c.2435C>G, p.Thr812Arg (NM_001202435.3, NM_001353948.2); c.2402C>G, p.Thr801Arg (NM_001353949.2, NM_001353950.2, NM_001353951.2 and 2 more transcripts); c.2399C>G, p.Thr800Arg (NM_001353954.2, NM_001353955.2); c.2348C>G, p.Thr783Arg (NM_001353960.2); c.-8C>G (NM_001353961.2); short protein forms T801R, T812R, T800R, T783R, T784R.
Identifiers: ClinVar variation 68518 (VCV000068518.6), dbSNP rs121917941, ClinGen allele CA284895.